The following is an entry in ClinVar:

NM_000257.4(MYH7):c.4532A>T (p.Asp1511Val)

Genes: MHRT (myosin heavy chain associated RNA transcript; plus strand), MYH7 (myosin heavy chain 7; minus strand). Cytogenetic location: 14q11.2.
Variant type: single nucleotide variant.
Coding change: c.4532A>T on transcript NM_000257.4 (MANE Select); coding-DNA position 4532, A replaced by T.
Protein change: p.Asp1511Val; replaces aspartic acid 1511 with valine.
Molecular consequence: missense variant. On other transcripts: non-coding transcript variant (1).
Genome position (GRCh38, 1-based): chr14:23,416,980, T>A on the plus strand (A>T on the coding strand, the complement: MYH7 is on the minus strand). VCF-style: chr14-23416980-T-A. GRCh37 (hg19) VCF-style: chr14-23886189-T-A.
Other names: short protein forms D1511V.
Identifiers: ClinVar variation 842499 (VCV000842499.19), dbSNP rs730880802, ClinGen allele CA389038201.

ClinVar aggregate classification (germline): Uncertain significance. Review status: criteria provided, multiple submitters, no conflicts (2 of 4 stars). 5 submissions from 5 submitters: Uncertain significance (5). Last evaluated 2025-12-01.

Conditions:
Cardiomyopathy (CMYO). Also called: Cardiomyopathies. Identifiers: Orphanet 167848, MedGen C0878544, MONDO:0004994, HP:0001638. Inheritance: Various modes of inheritance.
Hypertrophic cardiomyopathy. Also called: HYPERTROPHIC MYOCARDIOPATHY. Identifiers: Orphanet 217569, MedGen C0007194, MeSH D002312, MONDO:0005045, HP:0001639.
Cardiovascular phenotype. Identifiers: MedGen CN230736.
Dilated cardiomyopathy 1S (CMD1S). Identifiers: Orphanet 154, Orphanet 54260, MedGen C1834481, MONDO:0013262, OMIM 613426.

Allele frequency attached by ClinVar (database versions not stated): TOPMed below 0.00001.

Submissions (5):

Labcorp Genetics (formerly Invitae), Labcorp
Classification: Uncertain significance for Hypertrophic cardiomyopathy. Last evaluated: 2025-12-01. Review status: criteria provided, single submitter. Criteria: Invitae Variant Classification Sherloc (09022015). Collection method: clinical testing. Allele origin: germline.
Comment: This sequence change replaces aspartic acid, which is acidic and polar, with valine, which is neutral and non-polar, at codon 1511 of the MYH7 protein (p.Asp1511Val). This variant is not present in population databases (gnomAD no frequency). This variant has not been reported in the literature in individuals affected with MYH7-related conditions. ClinVar contains an entry for this variant (Variation ID: 842499). Invitae Evidence Modeling of protein sequence and biophysical properties (such as structural, functional, and spatial information, amino acid conservation, physicochemical variation, residue mobility, and thermodynamic stability) indicates that this missense variant is expected to disrupt MYH7 protein function with a positive predictive value of 95%. In summary, the available evidence is currently insufficient to determine the role of this variant in disease. Therefore, it has been classified as a Variant of Uncertain Significance.

Color Diagnostics, LLC DBA Color Health
Classification: Uncertain significance for Cardiomyopathy. Last evaluated: 2025-09-05. Review status: criteria provided, single submitter. Criteria: ACMG Guidelines, 2015. Collection method: clinical testing. Allele origin: germline.
Comment: This missense variant replaces aspartic acid with valine at codon 1511 of the MYH7 protein. Computational prediction suggests that this variant may have deleterious impact on protein structure and function. To our knowledge, functional studies have not been reported for this variant. This variant has not been reported in individuals affected with MYH7-related disorders in the literature. This variant has not been identified in the general population by the Genome Aggregation Database (gnomAD). The available evidence is insufficient to determine the role of this variant in disease conclusively. Therefore, this variant is classified as a Variant of Uncertain Significance.

CeGaT Center for Human Genetics Tuebingen
Classification: Uncertain significance. Last evaluated: 2025-08-01. Review status: criteria provided, single submitter. Criteria: CeGaT Center For Human Genetics Tuebingen Variant Classification Criteria Version 2. Collection method: clinical testing. Allele origin: germline. Affected: yes. Observed: 1 variant allele.
Comment: MYH7: PM2

Ambry Genetics
Classification: Uncertain significance for Cardiovascular phenotype. Last evaluated: 2025-05-02. Review status: criteria provided, single submitter. Criteria: Ambry Variant Classification Scheme 2023. Collection method: clinical testing. Allele origin: germline.
Comment: The p.D1511V variant (also known as c.4532A>T), located in coding exon 31 of the MYH7 gene, results from an A to T substitution at nucleotide position 4532. The aspartic acid at codon 1511 is replaced by valine, an amino acid with highly dissimilar properties. This amino acid position is highly conserved in available vertebrate species. In addition, this alteration is predicted to be deleterious by in silico analysis. Based on the available evidence, the clinical significance of this variant remains unclear.

KardioGenetik, Herz- und Diabeteszentrum NRW
Classification: Uncertain significance for Dilated cardiomyopathy 1S. Last evaluated: 2024-01-02. Review status: criteria provided, single submitter. Criteria: ACMG Guidelines, 2015. Collection method: clinical testing. Allele origin: unknown. Observed: 1 variant allele.